The following is an entry in ClinVar:

ClinVar aggregate classification (germline): Uncertain significance (1 of 4 stars; one submission).

Conditions:
Renal cell carcinoma. Identifiers: Orphanet 217071, MedGen C0007134, MeSH D002292, MONDO:0005086, HP:0005584.

Submission:

Labcorp Genetics (formerly Invitae), Labcorp
Classification: Uncertain significance for Renal cell carcinoma. Last evaluated: 2024-01-03. Review status: criteria provided, single submitter. Criteria: Invitae Variant Classification Sherloc (09022015). Collection method: clinical testing. Allele origin: germline.
Comment: This sequence change replaces lysine, which is basic and polar, with methionine, which is neutral and non-polar, at codon 508 of the MET protein (p.Lys508Met). This variant is not present in population databases (gnomAD no frequency). This variant has not been reported in the literature in individuals affected with MET-related conditions. Advanced modeling of protein sequence and biophysical properties (such as structural, functional, and spatial information, amino acid conservation, physicochemical variation, residue mobility, and thermodynamic stability) performed at Invitae indicates that this missense variant is not expected to disrupt MET protein function with a negative predictive value of 80%. In summary, the available evidence is currently insufficient to determine the role of this variant in disease. Therefore, it has been classified as a Variant of Uncertain Significance.

NM_000245.4(MET):c.1523A>T (p.Lys508Met)

Gene: MET (MET proto-oncogene, receptor tyrosine kinase; plus strand). Cytogenetic location: 7q31.2.
Variant type: single nucleotide variant.
Coding change: c.1523A>T on transcript NM_000245.4 (MANE Select); coding-DNA position 1523, A replaced by T.
Protein change: p.Lys508Met; replaces lysine 508 with methionine.
Molecular consequence: missense variant.
Genome position (GRCh38, 1-based): chr7:116,740,080, A>T. VCF-style: chr7-116740080-A-T. GRCh37 (hg19) VCF-style: chr7-116380134-A-T.
Other names: c.1523A>T, p.Lys508Met (NM_001127500.3, NM_001324401.3); c.233A>T, p.Lys78Met (NM_001324402.2); short protein forms K508M, K78M.
Identifiers: ClinVar variation 2706255 (VCV002706255.3), dbSNP rs1301750241, ClinGen allele CA368974350.